The following is an entry in ClinVar:

ClinVar aggregate classification (germline): Uncertain significance (1 of 4 stars; one submission).

Submission:

Labcorp Genetics (formerly Invitae), Labcorp
Classification: Uncertain significance. Last evaluated: 2022-02-03. Review status: criteria provided, single submitter. Criteria: Invitae Variant Classification Sherloc (09022015). Collection method: clinical testing. Allele origin: germline.
Comment: In summary, the available evidence is currently insufficient to determine the role of this variant in disease. Therefore, it has been classified as a Variant of Uncertain Significance. Variants that disrupt the consensus splice site are a relatively common cause of aberrant splicing (PMID: 17576681, 9536098). Algorithms developed to predict the effect of sequence changes on RNA splicing suggest that this variant may disrupt the consensus splice site. This variant has not been reported in the literature in individuals affected with POLE-related conditions. This variant is not present in population databases (gnomAD no frequency). This sequence change falls in intron 21 of the POLE gene. It does not directly change the encoded amino acid sequence of the POLE protein. It affects a nucleotide within the consensus splice site.

Literature cited by the submitters: PubMed 17576681; PubMed 9536098.

NM_006231.4(POLE):c.2468+5G>C

Gene: POLE (DNA polymerase epsilon, catalytic subunit; minus strand). Cytogenetic location: 12q24.33.
Variant type: single nucleotide variant.
Coding change: c.2468+5G>C on transcript NM_006231.4 (MANE Select); 5 bases into the intron after coding-DNA position 2468, G replaced by C.
Molecular consequence: intron variant.
Genome position (GRCh38, 1-based): chr12:132,665,297, C>G on the plus strand (G>C on the coding strand, the complement: POLE is on the minus strand). VCF-style: chr12-132665297-C-G. GRCh37 (hg19) VCF-style: chr12-133241883-C-G.
Identifiers: ClinVar variation 2092535 (VCV002092535.4), dbSNP rs2135961190, ClinGen allele CA2580086020.